The following is an entry in ClinVar:

ClinVar aggregate classification (germline): Uncertain significance. Review status: criteria provided, multiple submitters, no conflicts (2 of 4 stars). 3 submissions from 3 submitters: Uncertain significance (3). Last evaluated 2025-09-15.

Conditions:
Intellectual developmental disorder, autosomal dominant 30, with speech delay and behavioral abnormalities. Also called: Intellectual disability, autosomal dominant 30. Identifiers: Orphanet 436151, MedGen C4015167, MONDO:0014486, OMIM 616083.
Inborn genetic diseases. Identifiers: MedGen C0950123, MeSH D030342.

Allele frequency attached by ClinVar (database versions not stated): ExAC 0.00001; gnomAD 0.00001; gnomAD exomes 0.00001; TOPMed 0.00001.
gnomAD v4.1: 14 of 1,613,764 alleles (0.00087%); highest among the groups gnomAD compares: Non-Finnish European, 0.0012%; no homozygotes.

Submissions (3):

Labcorp Genetics (formerly Invitae), Labcorp
Classification: Uncertain significance. Last evaluated: 2025-09-15. Review status: criteria provided, single submitter. Criteria: Invitae Variant Classification Sherloc (09022015). Collection method: clinical testing. Allele origin: germline.
Comment: This sequence change replaces isoleucine, which is neutral and non-polar, with valine, which is neutral and non-polar, at codon 22 of the ZMYND11 protein (p.Ile22Val). This variant is present in population databases (rs770433426, gnomAD 0.002%). This variant has not been reported in the literature in individuals affected with ZMYND11-related conditions. ClinVar contains an entry for this variant (Variation ID: 2438665). An algorithm developed to predict the effect of missense changes on protein structure and function (PolyPhen-2) suggests that this variant is likely to be tolerated. In summary, the available evidence is currently insufficient to determine the role of this variant in disease. Therefore, it has been classified as a Variant of Uncertain Significance.

Ambry Genetics
Classification: Uncertain significance for Inborn genetic diseases. Last evaluated: 2025-05-21. Review status: criteria provided, single submitter. Criteria: Ambry Variant Classification Scheme 2023. Collection method: clinical testing. Allele origin: germline.

Revvity Omics, Revvity
Classification: Uncertain significance for Intellectual developmental disorder, autosomal dominant 30, with speech delay and behavioral abnormalities. Last evaluated: 2021-06-08. Review status: criteria provided, single submitter. Criteria: ACMG Guidelines, 2015. Collection method: clinical testing. Allele origin: germline.

NM_001370100.5(ZMYND11):c.64A>G (p.Ile22Val)

Gene: ZMYND11 (zinc finger MYND-type containing 11; plus strand). Cytogenetic location: 10p15.3.
Variant type: single nucleotide variant.
Coding change: c.64A>G on transcript NM_001370100.5 (MANE Select); coding-DNA position 64, A replaced by G.
Protein change: p.Ile22Val; replaces isoleucine 22 with valine.
Molecular consequence: missense variant. On other transcripts: 5 prime UTR variant (3), non-coding transcript variant (1), intron variant (5).
Genome position (GRCh38, 1-based): chr10:180,076, A>G. VCF-style: chr10-180076-A-G. GRCh37 (hg19) VCF-style: chr10-226016-A-G.
Other names: c.64A>G, p.Ile22Val (NM_001161482.1, NM_001202464.3, NM_001202465.3 and 25 more transcripts); c.-83A>G (NM_001330057.3, NM_001370112.2, NM_001370123.2); c.-4-29813A>G (NM_001370118.2, NM_001370121.2); c.51-29813A>G (NM_001370116.2, NM_001370120.2); c.-34+45184A>G (NM_001370124.3); short protein forms I22V.
Identifiers: ClinVar variation 2438665 (VCV002438665.7), dbSNP rs770433426, ClinGen allele CA5378836.